The following is an entry in ClinVar:

ClinVar aggregate classification (germline): Conflicting classifications of pathogenicity. Review status: criteria provided, conflicting classifications (1 of 4 stars). 2 submissions from 2 submitters: Likely pathogenic (1); Uncertain significance (1). Last evaluated 2025-05-26.

Conditions:
BEST1-related disorder. Also called: BEST1-related disorders; BEST1-related condition. Identifiers: MedGen CN239200.

Submissions (2):

Labcorp Genetics (formerly Invitae), Labcorp
Classification: Uncertain significance. Last evaluated: 2025-05-26. Review status: criteria provided, single submitter. Criteria: Invitae Variant Classification Sherloc (09022015). Collection method: clinical testing. Allele origin: germline.
Comment: This sequence change replaces serine, which is neutral and polar, with tyrosine, which is neutral and polar, at codon 318 of the BEST1 protein (p.Ser318Tyr). This variant is not present in population databases (gnomAD no frequency). This variant has not been reported in the literature in individuals affected with BEST1-related conditions. ClinVar contains an entry for this variant (Variation ID: 841391). Invitae Evidence Modeling of protein sequence and biophysical properties (such as structural, functional, and spatial information, amino acid conservation, physicochemical variation, residue mobility, and thermodynamic stability) indicates that this missense variant is expected to disrupt BEST1 protein function with a positive predictive value of 95%. In summary, the available evidence is currently insufficient to determine the role of this variant in disease. Therefore, it has been classified as a Variant of Uncertain Significance.

Blueprint Genetics
Classification: Likely pathogenic for BEST1-related disorders. Last evaluated: 2024-11-04. Review status: criteria provided, single submitter. Criteria: ACMG Guidelines, 2015. Collection method: clinical testing. Allele origin: germline. Affected: yes. Observed: 2 variant alleles.

NM_004183.4(BEST1):c.953C>A (p.Ser318Tyr)

Gene: BEST1 (bestrophin 1; plus strand). Cytogenetic location: 11q12.3.
Variant type: single nucleotide variant.
Coding change: c.953C>A on transcript NM_004183.4 (MANE Select); coding-DNA position 953, C replaced by A.
Protein change: p.Ser318Tyr; replaces serine 318 with tyrosine.
Molecular consequence: missense variant. On other transcripts: non-coding transcript variant (1).
Genome position (GRCh38, 1-based): chr11:61,959,896, C>A. VCF-style: chr11-61959896-C-A. GRCh37 (hg19) VCF-style: chr11-61727368-C-A.
Other names: c.773C>A, p.Ser258Tyr (NM_001139443.3, NM_001300787.2); c.692C>A, p.Ser231Tyr (NM_001300786.2); c.635C>A, p.Ser212Tyr (NM_001363591.3); c.1156C>A, p.Pro386Thr (NM_001363592.2); c.-20C>A (NM_001363593.3); short protein forms S212Y, S258Y, P386T, S231Y, S318Y.
Identifiers: ClinVar variation 841391 (VCV000841391.11), dbSNP rs267603070, ClinGen allele CA380846040.